The following is an entry in ClinVar:

ClinVar aggregate classification (germline): Uncertain significance (1 of 4 stars; one submission).

Conditions:
Primary ciliary dyskinesia. Also called: Ciliary dyskinesia. Identifiers: Orphanet 244, MedGen C0008780, MONDO:0016575, HP:0012265.

Submission:

Labcorp Genetics (formerly Invitae), Labcorp
Classification: Uncertain significance for Primary ciliary dyskinesia. Last evaluated: 2022-06-03. Review status: criteria provided, single submitter. Criteria: Invitae Variant Classification Sherloc (09022015). Collection method: clinical testing. Allele origin: germline.
Comment: This sequence change falls in intron 8 of the DRC1 gene. It does not directly change the encoded amino acid sequence of the DRC1 protein. This variant is not present in population databases (gnomAD no frequency). In summary, the available evidence is currently insufficient to determine the role of this variant in disease. Therefore, it has been classified as a Variant of Uncertain Significance. Algorithms developed to predict the effect of sequence changes on RNA splicing suggest that this variant may create or strengthen a splice site. ClinVar contains an entry for this variant (Variation ID: 1475169). This variant has not been reported in the literature in individuals affected with DRC1-related conditions.

NM_145038.5(DRC1):c.1029-4C>G

Gene: DRC1 (dynein regulatory complex subunit 1; plus strand). Cytogenetic location: 2p23.3.
Variant type: single nucleotide variant.
Coding change: c.1029-4C>G on transcript NM_145038.5 (MANE Select); 4 bases into the intron before coding-DNA position 1029, C replaced by G.
Molecular consequence: intron variant.
Genome position (GRCh38, 1-based): chr2:26,444,218, C>G. VCF-style: chr2-26444218-C-G. GRCh37 (hg19) VCF-style: chr2-26667086-C-G.
Identifiers: ClinVar variation 1475169 (VCV001475169.8), dbSNP rs2148000514, ClinGen allele CA2573134484.